The following is an entry in ClinVar:

ClinVar aggregate classification (germline): Uncertain significance (1 of 4 stars; one submission).

gnomAD v4.1: 2 of 1,602,520 alleles (0.00012%); highest among the groups gnomAD compares: Admixed American, 0.0017%; no homozygotes.

Submission:

Ambry Genetics
Classification: Uncertain significance. Last evaluated: 2024-12-06. Review status: criteria provided, single submitter. Criteria: Ambry Variant Classification Scheme 2023. Collection method: clinical testing. Allele origin: germline.
Comment: The p.V343L variant (also known as c.1027G>T), located in coding exon 9 of the GEN1 gene, results from a G to T substitution at nucleotide position 1027. The valine at codon 343 is replaced by leucine, an amino acid with highly similar properties. This amino acid position is conserved. In addition, this alteration is predicted to be tolerated by in silico analysis. Based on the available evidence, the clinical significance of this variant remains unclear.

NM_001130009.3(GEN1):c.1027G>T (p.Val343Leu)

Gene: GEN1 (GEN1 Holliday junction 5' flap endonuclease; plus strand). Cytogenetic location: 2p24.2.
Variant type: single nucleotide variant.
Coding change: c.1027G>T on transcript NM_001130009.3 (MANE Select); coding-DNA position 1027, G replaced by T.
Protein change: p.Val343Leu; replaces valine 343 with leucine.
Molecular consequence: missense variant.
Genome position (GRCh38, 1-based): chr2:17,773,255, G>T. VCF-style: chr2-17773255-G-T. GRCh37 (hg19) VCF-style: chr2-17954522-G-T.
Other names: c.1027G>T, p.Val343Leu (NM_182625.5); short protein forms V343L.
Identifiers: ClinVar variation 3519770 (VCV003519770.1).